The following is an entry in ClinVar:

NM_020791.4(TAOK1):c.655+6C>T

Gene: TAOK1 (TAO kinase 1; plus strand). Cytogenetic location: 17q11.2.
Variant type: single nucleotide variant.
Coding change: c.655+6C>T on transcript NM_020791.4 (MANE Select); 6 bases into the intron after coding-DNA position 655, C replaced by T.
Molecular consequence: intron variant.
Genome position (GRCh38, 1-based): chr17:29,482,294, C>T. VCF-style: chr17-29482294-C-T. GRCh37 (hg19) VCF-style: chr17-27809312-C-T.
Other names: c.655+6C>T (NM_025142.1).
Identifiers: ClinVar variation 2647611 (VCV002647611.24), dbSNP rs369402043, ClinGen allele CA8474478.

ClinVar aggregate classification (germline): Likely benign (1 of 4 stars; one submission).

Allele frequency attached by ClinVar (database versions not stated): TOPMed below 0.00001; gnomAD 0.00006; ESP Exome Variant Server 0.00008; gnomAD exomes 0.00012; ExAC 0.00031.
gnomAD v4.1: 188 of 1,590,842 alleles (0.012%); highest among the groups gnomAD compares: South Asian, 0.19%; 2 homozygotes.

Submission:

CeGaT Center for Human Genetics Tuebingen
Classification: Likely benign. Last evaluated: 2024-06-01. Review status: criteria provided, single submitter. Criteria: CeGaT Center For Human Genetics Tuebingen Variant Classification Criteria Version 2. Collection method: clinical testing. Allele origin: germline. Affected: yes. Observed: 2 variant alleles.
Comment: TAOK1: BP4, BS1